The following is an entry in ClinVar:

NM_000488.4(SERPINC1):c.389C>T (p.Thr130Ile)

Gene: SERPINC1 (serpin family C member 1; minus strand). Cytogenetic location: 1q25.1.
Variant type: single nucleotide variant.
Coding change: c.389C>T on transcript NM_000488.4 (MANE Select); coding-DNA position 389, C replaced by T.
Protein change: p.Thr130Ile; replaces threonine 130 with isoleucine.
Molecular consequence: missense variant.
Genome position (GRCh38, 1-based): chr1:173,914,572, G>A on the plus strand (C>T on the coding strand, the complement: SERPINC1 is on the minus strand). VCF-style: chr1-173914572-G-A. GRCh37 (hg19) VCF-style: chr1-173883710-G-A.
Other names: c.245C>T, p.Thr82Ile (NM_001365052.2); c.389C>T, p.Thr130Ile (NM_001386302.1, NM_001386304.1, NM_001386305.1 and 1 more transcripts); c.470C>T, p.Thr157Ile (NM_001386303.1); short protein forms T82I, T130I, T157I.
Identifiers: ClinVar variation 4746897 (VCV004746897.1).

ClinVar aggregate classification (germline): Pathogenic (1 of 4 stars; one submission).

Conditions:
Hereditary antithrombin deficiency (AT3D). Also called: Antithrombin III deficiency; Thrombophilia due to antithrombin III deficiency; Antithrombin deficiency; Reduced antithrombin III activity. Identifiers: Orphanet 82, MedGen C0272375, MONDO:0013144, OMIM 613118, HP:0001976.

Submission:

Labcorp Genetics (formerly Invitae), Labcorp
Classification: Pathogenic for Hereditary antithrombin deficiency. Last evaluated: 2025-12-10. Review status: criteria provided, single submitter. Criteria: Invitae Variant Classification Sherloc (09022015). Collection method: clinical testing. Allele origin: germline.
Comment: This sequence change replaces threonine, which is neutral and polar, with isoleucine, which is neutral and non-polar, at codon 130 of the SERPINC1 protein (p.Thr130Ile). This variant is not present in population databases (gnomAD no frequency). This missense change has been observed in individual(s) with antithrombin deficiency (PMID: 16411389, 36764659). It has also been observed to segregate with disease in related individuals. This variant is also known as Thr98Ile. Invitae Evidence Modeling of protein sequence and biophysical properties (such as structural, functional, and spatial information, amino acid conservation, physicochemical variation, residue mobility, and thermodynamic stability) indicates that this missense variant is expected to disrupt SERPINC1 protein function with a positive predictive value of 95%. Experimental studies have shown that this missense change affects SERPINC1 function (PMID: 16411389). For these reasons, this variant has been classified as Pathogenic.

Literature cited by the submitters: PubMed 16411389; PubMed 36764659.